The following is an entry in ClinVar:

ClinVar aggregate classification (germline): Uncertain significance (1 of 4 stars; one submission).

Conditions:
Cardiomyopathy (CMYO). Also called: Cardiomyopathies. Identifiers: Orphanet 167848, MedGen C0878544, MONDO:0004994, HP:0001638. Inheritance: Various modes of inheritance.

gnomAD v4.1: 5 of 1,607,196 alleles (0.00031%); highest among the groups gnomAD compares: Non-Finnish European, 0.00042%; no homozygotes.

Submission:

Color Diagnostics, LLC DBA Color Health
Classification: Uncertain significance for Cardiomyopathy. Last evaluated: 2020-02-13. Review status: criteria provided, single submitter. Criteria: ACMG Guidelines, 2015. Collection method: clinical testing. Allele origin: germline.
Comment: This missense variant replaces arginine with glycine at codon 177 of the MYBPC3 protein. Computational prediction suggests that this variant may not impact protein structure and function (internally defined REVEL score threshold <= 0.5, PMID: 27666373). Splice site prediction tools suggest that this variant may not impact RNA splicing. To our knowledge, functional studies have not been performed for this variant. This variant has not been reported in individuals affected with cardiovascular disorders in the literature. This variant has not been identified in the general population by the Genome Aggregation Database (gnomAD). The available evidence is insufficient to determine the role of this variant in disease conclusively. Therefore, this variant is classified as a Variant of Uncertain Significance.

NM_000256.3(MYBPC3):c.529C>G (p.Arg177Gly)

Gene: MYBPC3 (myosin binding protein C3; minus strand). Cytogenetic location: 11p11.2.
Variant type: single nucleotide variant.
Coding change: c.529C>G on transcript NM_000256.3 (MANE Select); coding-DNA position 529, C replaced by G.
Protein change: p.Arg177Gly; replaces arginine 177 with glycine.
Molecular consequence: missense variant.
Genome position (GRCh38, 1-based): chr11:47,349,899, G>C on the plus strand (C>G on the coding strand, the complement: MYBPC3 is on the minus strand). VCF-style: chr11-47349899-G-C. GRCh37 (hg19) VCF-style: chr11-47371450-G-C.
Other names: short protein forms R177G.
Identifiers: ClinVar variation 923677 (VCV000923677.3), dbSNP rs193922385, ClinGen allele CA380338152.
Genomic context (GRCh38, chr11:47,349,899, plus strand): 5'-CCCATTTGCCCTTGAACCACTTGACCACAGGCGGCTTCAGGAGGCTGGCGCCGGCCACGC[G>C]GGCTGAGAAGGTGATGCTGCCACCTGCAAAGGCAGGGGCGACAGGCCCGGCTTGGGGAGT-3'
Protein context (NP_000247.2, residues 167-187): TVGGSITFSA[Arg177Gly]VAGASLLKPP